The following is an entry in ClinVar:

NM_001127222.2(CACNA1A):c.6643C>T (p.His2215Tyr)

Gene: CACNA1A (calcium voltage-gated channel subunit alpha1 A; minus strand). Cytogenetic location: 19p13.13.
Variant type: single nucleotide variant.
Coding change: c.6643C>T on transcript NM_001127222.2 (MANE Select); coding-DNA position 6643, C replaced by T.
Protein change: p.His2215Tyr; replaces histidine 2215 with tyrosine.
Molecular consequence: missense variant.
Genome position (GRCh38, 1-based): chr19:13,208,893, G>A on the plus strand (C>T on the coding strand, the complement: CACNA1A is on the minus strand). VCF-style: chr19-13208893-G-A. GRCh37 (hg19) VCF-style: chr19-13319707-G-A.
Other names: c.6661C>T, p.His2221Tyr (NM_000068.4, NM_023035.3); c.6646C>T, p.His2216Tyr (NM_001127221.2); c.6652C>T, p.His2218Tyr (NM_001174080.2); short protein forms H2215Y, H2216Y, H2218Y, H2221Y.
Identifiers: ClinVar variation 2633800 (VCV002633800.1), dbSNP rs776488573, ClinGen allele CA404330460.
Genomic context (GRCh38, chr19:13,208,893, plus strand): 5'-GGTCCGGCCGTTCCTGGGCATAGCGGTCCTTGTCGGGGGGCGGGGGATGGTGGTGGTGGT[G>A]GTGGTGGTGGTGGTGCTGTCGATGCTTCCGATCCTTGGGCCGGCCCCGCTCCTGGTCCCG-3'
Protein context (NP_001120694.1, residues 2205-2225): RKHRQHHHHH[His2215Tyr]HHHHPPPPDK

ClinVar aggregate classification (germline): Uncertain significance (1 of 4 stars; one submission).

Conditions:
CACNA1A-related disorder. Also called: CACNA1A-related condition.

Submission:

PreventionGenetics, part of Exact Sciences
Classification: Uncertain significance for CACNA1A-related condition. Last evaluated: 2023-03-13. Review status: criteria provided, single submitter. Criteria: ACMG Guidelines, 2015. Collection method: clinical testing. Allele origin: germline.
Comment: The CACNA1A c.6643C>T variant is predicted to result in the amino acid substitution p.His2215Tyr. To our knowledge, this variant has not been reported in the literature or in a large population database, indicating this variant is rare. At this time, the clinical significance of this variant is uncertain due to the absence of conclusive functional and genetic evidence.